The following is an entry in ClinVar:

NM_000290.4(PGAM2):c.19G>A (p.Val7Met)

Genes: DBNL (drebrin like; plus strand), PGAM2 (phosphoglycerate mutase 2; minus strand). Cytogenetic location: 7p13.
Variant type: single nucleotide variant.
Coding change: c.19G>A on transcript NM_000290.4 (MANE Select); coding-DNA position 19, G replaced by A.
Protein change: p.Val7Met; replaces valine 7 with methionine.
Molecular consequence: missense variant. On other transcripts: 3 prime UTR variant (6).
Genome position (GRCh38, 1-based): chr7:44,065,511, C>T on the plus strand (G>A on the coding strand, the complement: PGAM2 is on the minus strand). VCF-style: chr7-44065511-C-T. GRCh37 (hg19) VCF-style: chr7-44105110-C-T.
Other names: c.*4595C>T (NM_001014436.3, NM_001122956.2, NM_001284313.2 and 3 more transcripts); short protein forms V7M.
Identifiers: ClinVar variation 1004776 (VCV001004776.7), dbSNP rs774293728, ClinGen allele CA4236698.

ClinVar aggregate classification (germline): Uncertain significance. Review status: criteria provided, multiple submitters, no conflicts (2 of 4 stars). 2 submissions from 2 submitters: Uncertain significance (2). Last evaluated 2023-02-27.

Conditions:
Glycogen storage disease type X (GSD10). Also called: PGAMM DEFICIENCY; PHOSPHOGLYCERATE MUTASE, MUSCLE, DEFICIENCY OF; Dimauro disease; GSD X; MYOPATHY DUE TO PHOSPHOGLYCERATE MUTASE DEFICIENCY; Glycogen storage disease due to phosphoglycerate mutase deficiency. Identifiers: Orphanet 97234, MedGen C0268149, MONDO:0009865, OMIM 261670.
Inborn genetic diseases. Identifiers: MedGen C0950123, MeSH D030342.

Allele frequency attached by ClinVar (database versions not stated): ExAC 0.00001; gnomAD exomes 0.00001; TOPMed 0.00002.

Submissions (2):

Ambry Genetics
Classification: Uncertain significance for Inborn genetic diseases. Last evaluated: 2023-02-27. Review status: criteria provided, single submitter. Criteria: Ambry Variant Classification Scheme 2023. Collection method: clinical testing. Allele origin: germline.

Labcorp Genetics (formerly Invitae), Labcorp
Classification: Uncertain significance for Glycogen storage disease type X. Last evaluated: 2022-07-29. Review status: criteria provided, single submitter. Criteria: Invitae Variant Classification Sherloc (09022015). Collection method: clinical testing. Allele origin: germline.
Comment: This sequence change replaces valine, which is neutral and non-polar, with methionine, which is neutral and non-polar, at codon 7 of the PGAM2 protein (p.Val7Met). This variant is present in population databases (rs774293728, gnomAD 0.003%). This variant has not been reported in the literature in individuals affected with PGAM2-related conditions. ClinVar contains an entry for this variant (Variation ID: 1004776). Algorithms developed to predict the effect of missense changes on protein structure and function are either unavailable or do not agree on the potential impact of this missense change (SIFT: "Deleterious"; PolyPhen-2: "Probably Damaging"; Align-GVGD: "Class C15"). In summary, the available evidence is currently insufficient to determine the role of this variant in disease. Therefore, it has been classified as a Variant of Uncertain Significance.